The following is an entry in ClinVar:

ClinVar aggregate classification (germline): Uncertain significance (1 of 4 stars; one submission).

Conditions:
Inborn genetic diseases. Identifiers: MedGen C0950123, MeSH D030342.

Allele frequency attached by ClinVar (database versions not stated): TOPMed below 0.00001.

Submission:

Ambry Genetics
Classification: Uncertain significance for Inborn genetic diseases. Last evaluated: 2021-04-28. Review status: criteria provided, single submitter. Criteria: Ambry Variant Classification Scheme 2023. Collection method: clinical testing. Allele origin: germline.
Comment: The c.86C>T (p.A29V) alteration is located in exon 4 (coding exon 1) of the NTRK2 gene. This alteration results from a C to T substitution at nucleotide position 86, causing the alanine (A) at amino acid position 29 to be replaced by a valine (V). The p.A29V alteration is predicted to be tolerated by in silico analysis. Based on insufficient or conflicting evidence, the clinical significance of this alteration remains unclear.

NM_006180.6(NTRK2):c.86C>T (p.Ala29Val)

Gene: NTRK2 (neurotrophic receptor tyrosine kinase 2; plus strand). Cytogenetic location: 9q21.33.
Variant type: single nucleotide variant.
Coding change: c.86C>T on transcript NM_006180.6 (MANE Select); coding-DNA position 86, C replaced by T.
Protein change: p.Ala29Val; replaces alanine 29 with valine.
Molecular consequence: missense variant.
Genome position (GRCh38, 1-based): chr9:84,670,834, C>T. VCF-style: chr9-84670834-C-T. GRCh37 (hg19) VCF-style: chr9-87285749-C-T.
Other names: c.86C>T, p.Ala29Val (NM_001007097.3, NM_001018064.3, NM_001018065.2 and 19 more transcripts); short protein forms A29V.
Identifiers: ClinVar variation 2230105 (VCV002230105.2), dbSNP rs2058654001, ClinGen allele CA374004706.